The following is an entry in ClinVar:

ClinVar aggregate classification (germline): Uncertain significance. Review status: criteria provided, multiple submitters, no conflicts (2 of 4 stars). 2 submissions from 2 submitters: Uncertain significance (2). Last evaluated 2024-08-22.

Conditions:
Polycystic kidney disease, adult type (PKD1). Also called: Polycystic Kidney Disease 1, Autosomal Dominant; Polycystic kidney disease 1; Polycystic kidney disease 1, severe; POLYCYSTIC KIDNEY DISEASE 1 WITH OR WITHOUT POLYCYSTIC LIVER DISEASE; POLYCYSTIC KIDNEY DISEASE, ADULT, TYPE I; Polycystic Kidney, Autosomal Dominant. Identifiers: MedGen C3149841, MONDO:0008263, OMIM 173900.

Submissions (2):

GeneDx
Classification: Uncertain significance. Last evaluated: 2024-08-22. Review status: criteria provided, single submitter. Criteria: GeneDx Variant Classification Process June 2021. Collection method: clinical testing. Allele origin: germline. Affected: yes.
Comment: Not observed at significant frequency in large population cohorts (gnomAD); In silico analysis supports that this missense variant has a deleterious effect on protein structure/function; Has not been previously published as pathogenic or benign to our knowledge

Fulgent Genetics
Classification: Uncertain significance for Polycystic kidney disease, adult type. Last evaluated: 2024-02-27. Review status: criteria provided, single submitter. Criteria: ACMG Guidelines, 2015. Collection method: clinical testing. Allele origin: germline.

NM_001009944.3(PKD1):c.8426C>A (p.Pro2809His)

Gene: PKD1 (polycystin 1, transient receptor potential channel interacting; minus strand). Cytogenetic location: 16p13.3.
Variant type: single nucleotide variant.
Coding change: c.8426C>A on transcript NM_001009944.3 (MANE Select); coding-DNA position 8426, C replaced by A.
Protein change: p.Pro2809His; replaces proline 2809 with histidine.
Molecular consequence: missense variant.
Genome position (GRCh38, 1-based): chr16:2,103,631, G>T on the plus strand (C>A on the coding strand, the complement: PKD1 is on the minus strand). VCF-style: chr16-2103631-G-T. GRCh37 (hg19) VCF-style: chr16-2153632-G-T.
Other names: c.8426C>A, p.Pro2809His (NM_000296.4); short protein forms P2809H.
Identifiers: ClinVar variation 3579180 (VCV003579180.2).